The following is an entry in ClinVar:

ClinVar aggregate classification (germline): Uncertain significance (1 of 4 stars; one submission).

Conditions:
Dysphasia. Identifiers: MedGen C0973461.
Hemiparesis. Identifiers: MedGen C0018989, HP:0001269.
Headache. Also called: Headaches. Identifiers: MedGen C0018681, HP:0002315.

Submission:

Centre for Mendelian Genomics, University Medical Centre Ljubljana
Classification: Uncertain significance for Hemiparesis; Headache; Aphasia. Last evaluated: 2016-01-01. Review status: criteria provided, single submitter. Criteria: ACMG guidelines, Richards 2015. Collection method: clinical testing. Allele origin: germline. Affected: yes.
Comment: This variant was classified as: Likely pathogenic. The following ACMG criteria were applied in classifying this variant: PS1,PM2,PP3. This variant was detected in heterozygous state.

NM_000702.4(ATP1A2):c.963C>G (p.Phe321Leu)

Gene: ATP1A2 (ATPase Na+/K+ transporting subunit alpha 2; plus strand). Cytogenetic location: 1q23.2.
Variant type: single nucleotide variant.
Coding change: c.963C>G on transcript NM_000702.4 (MANE Select); coding-DNA position 963, C replaced by G.
Protein change: p.Phe321Leu; replaces phenylalanine 321 with leucine.
Molecular consequence: missense variant.
Genome position (GRCh38, 1-based): chr1:160,127,766, C>G. VCF-style: chr1-160127766-C-G. GRCh37 (hg19) VCF-style: chr1-160097556-C-G.
Other names: short protein forms F321L.
Identifiers: ClinVar variation 978554 (VCV000978554.2), dbSNP rs1651629750, ClinGen allele CA343238556.